The following is an entry in ClinVar:

NM_024642.5(GALNT12):c.354_356delinsGGT (p.Glu119Val)

Gene: GALNT12 (polypeptide N-acetylgalactosaminyltransferase 12; plus strand). Cytogenetic location: 9q22.33.
Variant type: Indel.
Coding change: c.354_356delinsGGT on transcript NM_024642.5 (MANE Select); coding-DNA positions 354 to 356, CGA replaced by GGT.
Protein change: p.Glu119Val; replaces glutamic acid 119 with valine.
Molecular consequence: missense variant.
Genome position (GRCh38, 1-based): chr9:98,808,052-98,808,054, CGA replaced by GGT. VCF-style: chr9-98808052-CGA-GGT. GRCh37 (hg19) VCF-style: chr9-101570334-CGA-GGT.
Other names: short protein forms E119V.
Identifiers: ClinVar variation 4875778 (VCV004875778.1).

ClinVar aggregate classification (germline): Benign (1 of 4 stars; one submission).

Conditions:
Colorectal cancer, susceptibility to, 1. Also called: COLORECTAL ADENOMA AND CANCER, SUSCEPTIBILITY TO; COLORECTAL CANCER, SUSCEPTIBILITY TO, ON CHROMOSOME 9. Identifiers: MedGen C1837315, MONDO:0012132, OMIM 608812.

Submission:

Myriad Genetics, Inc.
Classification: Benign for Colorectal cancer, susceptibility to, 1. Last evaluated: 2026-04-23. Review status: criteria provided, single submitter. Criteria: Myriad Autosomal Dominant, Autosomal Recessive and X-Linked Classification Criteria (2023). Collection method: clinical testing. Allele origin: unknown.
Comment: This variant is considered benign. This variant has been observed at a population frequency that is significantly greater than expected given the associated disease prevalence and penetrance.